The following is an entry in ClinVar:

ClinVar aggregate classification (germline): Uncertain significance (1 of 4 stars; one submission).

Conditions:
Autosomal recessive spinocerebellar ataxia 12. Also called: SPINOCEREBELLAR ATAXIA WITH MENTAL RETARDATION AND EPILEPSY. Identifiers: Orphanet 284282, MedGen C3280452, MONDO:0013687, OMIM 614322.
Developmental and epileptic encephalopathy, 1 (DEE1). Also called: Epileptic encephalopathy, early infantile, 1; INFANTILE SPASM SYNDROME, X-LINKED 1; X-linked infantile spasms; West's syndrome; Tonic spasms with clustering, arrest of psychomotor development and hypsarrhythmia on EEG; X-Linked Infantile Spasm Syndrome. Identifiers: MedGen C3463992, MONDO:0010632, OMIM 308350. Disease mechanism: loss of function.

Submission:

Labcorp Genetics (formerly Invitae), Labcorp
Classification: Uncertain significance for Developmental and epileptic encephalopathy, 1; Autosomal recessive spinocerebellar ataxia 12. Last evaluated: 2022-08-16. Review status: criteria provided, single submitter. Criteria: Invitae Variant Classification Sherloc (09022015). Collection method: clinical testing. Allele origin: germline.
Comment: This variant results in a copy number gain of the genomic region encompassing exon(s) 1-8 of the WWOX gene. This region includes the initiator codon of the gene. This copy number gain extends beyond the assayed region for this gene and therefore may encompass additional genes. As the precise location of this event is unknown, it may be in tandem or it may be located elsewhere in the genome. This variant has not been reported in the literature in individuals affected with WWOX-related conditions. In summary, the available evidence is currently insufficient to determine the role of this variant in disease. Therefore, it has been classified as a Variant of Uncertain Significance.

NC_000016.9:g.(?_78133676)_(78466669_?)dup

Gene: WWOX (WW domain containing oxidoreductase; plus strand). Cytogenetic location: 16q23.1.
Variant type: Duplication.
Identifiers: ClinVar variation 2426304 (VCV002426304.5).